The following is an entry in ClinVar:

NM_017934.7(PHIP):c.565G>A (p.Val189Ile)

Gene: PHIP (PHIP subunit of CUL4-Ring ligase complex; minus strand). Cytogenetic location: 6q14.1.
Variant type: single nucleotide variant.
Coding change: c.565G>A on transcript NM_017934.7 (MANE Select); coding-DNA position 565, G replaced by A.
Protein change: p.Val189Ile; replaces valine 189 with isoleucine.
Molecular consequence: missense variant.
Genome position (GRCh38, 1-based): chr6:79,042,878, C>T on the plus strand (G>A on the coding strand, the complement: PHIP is on the minus strand). VCF-style: chr6-79042878-C-T. GRCh37 (hg19) VCF-style: chr6-79752595-C-T.
Other names: short protein forms V189I.
Identifiers: ClinVar variation 3348591 (VCV003348591.1).

ClinVar aggregate classification (germline): Uncertain significance (0 of 4 stars; one submission).

Conditions:
PHIP-related disorder. Also called: PHIP-related condition; PHIP-related disorders.

gnomAD v4.1: 1 of 1,606,940 alleles (0.000062%); highest among the groups gnomAD compares: African/African-American, 0.0013%; no homozygotes.

Submission:

PreventionGenetics, part of Exact Sciences
Classification: Uncertain significance for PHIP-related condition. Last evaluated: 2024-03-09. Review status: no assertion criteria provided. Collection method: clinical testing. Allele origin: germline.
Comment: The PHIP c.565G>A variant is predicted to result in the amino acid substitution p.Val189Ile. To our knowledge, this variant has not been reported in the literature. This variant is reported in 0.011% of alleles in individuals of African descent in gnomAD. Although we suspect that this variant may be benign, at this time, the clinical significance of this variant is uncertain due to the absence of conclusive functional and genetic evidence.